The following is an entry in ClinVar:

NM_001145809.2(MYH14):c.1074G>A (p.Glu358=)

Gene: MYH14 (myosin heavy chain 14; plus strand). Cytogenetic location: 19q13.33.
Variant type: single nucleotide variant.
Coding change: c.1074G>A on transcript NM_001145809.2 (MANE Select); coding-DNA position 1074, G replaced by A.
Protein change: p.Glu358=; no amino-acid change (glutamic acid 358 retained).
Molecular consequence: synonymous variant.
Genome position (GRCh38, 1-based): chr19:50,232,030, G>A. VCF-style: chr19-50232030-G-A. GRCh37 (hg19) VCF-style: chr19-50735287-G-A.
Other names: c.1074G>A, p.Glu358= (NM_001077186.2); c.1050G>A, p.Glu350= (NM_024729.4).
Identifiers: ClinVar variation 1711485 (VCV001711485.35), dbSNP rs1453583583, ClinGen allele CA508176380.

ClinVar aggregate classification (germline): Likely benign. Review status: criteria provided, multiple submitters, no conflicts (2 of 4 stars). 2 submissions from 2 submitters: Likely benign (2). Last evaluated 2022-08-30.

Allele frequency attached by ClinVar (database versions not stated): gnomAD 0.00001; gnomAD exomes 0.00002.
gnomAD v4.1: 35 of 1,613,244 alleles (0.0022%); highest among the groups gnomAD compares: Non-Finnish European, 0.0027%; no homozygotes.

Submissions (2):

Labcorp Genetics (formerly Invitae), Labcorp
Classification: Likely benign. Last evaluated: 2022-08-30. Review status: criteria provided, single submitter. Criteria: Invitae Variant Classification Sherloc (09022015). Collection method: clinical testing. Allele origin: germline.

CeGaT Center for Human Genetics Tuebingen
Classification: Likely benign. Last evaluated: 2022-08-01. Review status: criteria provided, single submitter. Criteria: CeGaT Center For Human Genetics Tuebingen Variant Classification Criteria Version 2. Collection method: clinical testing. Allele origin: germline. Affected: yes. Observed: 1 variant allele.
Comment: MYH14: BP4, BP7